The following is an entry in ClinVar:

ClinVar aggregate classification (germline): Pathogenic/Likely pathogenic. Review status: criteria provided, multiple submitters, no conflicts (2 of 4 stars). 3 submissions from 3 submitters: Pathogenic (1); Likely pathogenic (1). 1 of the submissions does not count toward it. Last evaluated 2023-11-10.

Conditions:
NPHP3-related disorder. Also called: NPHP3-related condition; NPHP3-related disorders. Identifiers: MedGen CN379163.
Nephronophthisis. Also called: Juvenile Nephronophthisis. Identifiers: Orphanet 655, MedGen C0687120, MONDO:0019005, HP:0000090.
Nephronophthisis 3 (NPHP3). Also called: Adolescent nephronophthisis. Identifiers: Orphanet 655, MedGen C1858392, MONDO:0011456, OMIM 604387.

Allele frequency attached by ClinVar (database versions not stated): gnomAD 0.00001; gnomAD exomes 0.00001; TOPMed 0.00001; ExAC 0.00002.
gnomAD v4.1: 7 of 1,596,410 alleles (0.00044%); highest among the groups gnomAD compares: East Asian, 0.011%; no homozygotes.

Submissions (3):

Labcorp Genetics (formerly Invitae), Labcorp
Classification: Pathogenic for Nephronophthisis. Last evaluated: 2023-11-10. Review status: criteria provided, single submitter. Criteria: Invitae Variant Classification Sherloc (09022015). Collection method: clinical testing. Allele origin: germline.
Comment: This sequence change creates a premature translational stop signal (p.Arg142*) in the NPHP3 gene. It is expected to result in an absent or disrupted protein product. Loss-of-function variants in NPHP3 are known to be pathogenic (PMID: 18371931, 23559409). This variant is present in population databases (rs771742823, gnomAD 0.02%). This premature translational stop signal has been observed in individual(s) with nephronophthisis (PMID: 27491411, 32502767). ClinVar contains an entry for this variant (Variation ID: 430726). Algorithms developed to predict the effect of sequence changes on RNA splicing suggest that this variant may disrupt the consensus splice site. For these reasons, this variant has been classified as Pathogenic.

Blueprint Genetics
Classification: Likely pathogenic for NPHP3-related disorders. Last evaluated: 2022-01-05. Review status: criteria provided, single submitter. Criteria: ACMG Guidelines, 2015. Collection method: clinical testing. Allele origin: germline. Affected: yes. Observed: 5 variant alleles.

Human Molecular Genetics and Metabolic Disorders, Pakistan Institute for Engineering and Applied Science (PIEAS)
Classification: Pathogenic for Nephronophthisis 3. Review status: no assertion criteria provided. Collection method: research. Allele origin: biparental. Inheritance: Autosomal recessive inheritance. Affected: yes. Observed: 1 variant allele, 1 homozygote. Not counted in ClinVar's aggregate classification.

Literature cited by the submitters: PubMed 18371931 (cited by Labcorp Genetics (formerly Invitae), Labcorp); PubMed 23559409 (cited by Labcorp Genetics (formerly Invitae), Labcorp); PubMed 27491411 (cited by Labcorp Genetics (formerly Invitae), Labcorp); PubMed 32502767 (cited by Labcorp Genetics (formerly Invitae), Labcorp); PubMed 28921755 (cited by Human Molecular Genetics and Metabolic Disorders, Pakistan Institute for Engineering and Applied Science (PIEAS)).

NM_153240.5(NPHP3):c.424C>T (p.Arg142Ter)

Genes: NPHP3 (nephrocystin 3; minus strand), NPHP3-ACAD11 (NPHP3-ACAD11 readthrough (NMD candidate); minus strand). Cytogenetic location: 3q22.1.
Variant type: single nucleotide variant.
Coding change: c.424C>T on transcript NM_153240.5 (MANE Select); coding-DNA position 424, C replaced by T.
Protein change: p.Arg142Ter; replaces arginine 142 with a stop codon.
Molecular consequence: nonsense. On other transcripts: non-coding transcript variant (1).
Genome position (GRCh38, 1-based): chr3:132,719,800, G>A on the plus strand (C>T on the coding strand, the complement: NPHP3 is on the minus strand). VCF-style: chr3-132719800-G-A. GRCh37 (hg19) VCF-style: chr3-132438644-G-A.
Other names: short protein forms R142*.
Identifiers: ClinVar variation 430726 (VCV000430726.8), dbSNP rs771742823, ClinGen allele CA2622608.
Genomic context (GRCh38, chr3:132,719,800, plus strand): 5'-CAAATGTTGCTGCTCTCTCCATTGCTTGGTATTTCGCTTCTAAAGCACTTTCTTTTTCTC[G>A]AAGTATCTTCTGATACGTTTTTTGAAGTGCCTAGAATAATTTACCTTGTTATTTCCTAAC-3'